The following is an entry in ClinVar:

NM_001367624.2(ZNF469):c.2617C>A (p.Pro873Thr)

Gene: ZNF469 (zinc finger protein 469; plus strand). Cytogenetic location: 16q24.2.
Variant type: single nucleotide variant.
Coding change: c.2617C>A on transcript NM_001367624.2 (MANE Select); coding-DNA position 2617, C replaced by A.
Protein change: p.Pro873Thr; replaces proline 873 with threonine.
Molecular consequence: missense variant.
Genome position (GRCh38, 1-based): chr16:88,430,087, C>A. VCF-style: chr16-88430087-C-A. GRCh37 (hg19) VCF-style: chr16-88496495-C-A.
Other names: NM_001127464.1:c.2617C>A; short protein forms P873T.
Identifiers: ClinVar variation 1499582 (VCV001499582.8), dbSNP rs1237408873, ClinGen allele CA397073968.
Genomic context (GRCh38, chr16:88,430,087, plus strand): 5'-TACCAGTCGGACAACCCGGAGATCGACAGCAGCTTCATCGACGTCTTCGCGGACGAGGAG[C>A]CTTCCGGCCCCAGAGGTCCCAGCTCCGGACACCCCCTTAAGAGCAAGGCGGGGGTGACTC-3'
Protein context (NP_001354553.1, residues 863-883): SFIDVFADEE[Pro873Thr]SGPRGPSSGH

ClinVar aggregate classification (germline): Conflicting classifications of pathogenicity. Review status: criteria provided, conflicting classifications (1 of 4 stars). 5 submissions from 5 submitters: Likely pathogenic (1); Uncertain significance (4). Last evaluated 2026-06-15.

Conditions:
Brittle cornea syndrome 1 (BCS1). Also called: CORNEAL FRAGILITY, KERATOGLOBUS, BLUE SCLERAE, JOINT HYPEREXTENSIBILITY; EDS6B; FRAGILITAS OCULI WITH JOINT HYPEREXTENSIBILITY; DYSGENESIS MESODERMALIS CORNEAE ET SCLERAE; Corneal fragility keratoglobus, blue sclerae AND joint hypermobility. Identifiers: Orphanet 90354, MedGen C0268344, MONDO:0024543, OMIM 229200.

Allele frequency attached by ClinVar (database versions not stated): gnomAD exomes 0.00004; TOPMed 0.00008.
gnomAD v4.1: 32 of 1,550,142 alleles (0.0021%); highest among the groups gnomAD compares: East Asian, 0.049%; 1 homozygote.

Submissions (5):

Women's Health and Genetics/Laboratory Corporation of America, LabCorp
Classification: Uncertain significance. Last evaluated: 2026-06-15. Review status: criteria provided, single submitter. Criteria: LabCorp Variant Classification Summary - May 2015. Collection method: clinical testing. Allele origin: germline.
Comment: Variant summary: ZNF469 c.2617C>A (p.Pro873Thr) results in a non-conservative amino acid change in the encoded protein sequence. Algorithms developed to predict the effect of missense changes on protein structure and function are either unavailable or do not agree on the potential impact of this missense change. The variant allele was found at a frequency of 4e-05 in 149882 control chromosomes. The available data on variant occurrences in the general population are insufficient to allow any conclusion about variant significance. c.2617C>A has been observed in individual(s) affected with Keratoconus (Yildiz_2017, Li_2021). These report(s) do not provide unequivocal conclusions about association of the variant with Brittle cornea syndrome 1. To our knowledge, no experimental evidence demonstrating an impact on protein function has been reported. The following publications have been ascertained in the context of this evaluation (PMID: 33816482, 28622062). ClinVar contains an entry for this variant (Variation ID: 1499582). Based on the evidence outlined above, the variant was classified as uncertain significance.

GeneDx
Classification: Uncertain significance. Last evaluated: 2026-03-27. Review status: criteria provided, single submitter. Criteria: GeneDx Variant Classification Process June 2021. Collection method: clinical testing. Allele origin: germline.
Comment: In silico analysis suggests that this missense variant does not alter protein structure/function; Identified in a patient with keratoconus who harbored another ZNF469 variant and in a patient from an Inherited Eye Disease (IED) cohort in the published literature (PMID: 28622062, 33816482); This variant is associated with the following publications: (PMID: 28622062, 33816482)

Blueprint Genetics
Classification: Uncertain significance. Last evaluated: 2024-10-02. Review status: criteria provided, single submitter. Criteria: ACMG Guidelines, 2015. Collection method: clinical testing. Allele origin: germline.

Labcorp Genetics (formerly Invitae), Labcorp
Classification: Uncertain significance. Last evaluated: 2022-07-24. Review status: criteria provided, single submitter. Criteria: Invitae Variant Classification Sherloc (09022015). Collection method: clinical testing. Allele origin: germline.
Comment: This sequence change replaces proline, which is neutral and non-polar, with threonine, which is neutral and polar, at codon 873 of the ZNF469 protein (p.Pro873Thr). This variant is present in population databases (no rsID available, gnomAD 0.04%). This missense change has been observed in individual(s) with ZNF469-related conditions (PMID: 28622062, 33816482). ClinVar contains an entry for this variant (Variation ID: 1499582). Algorithms developed to predict the effect of missense changes on protein structure and function are either unavailable or do not agree on the potential impact of this missense change (SIFT: "Tolerated"; PolyPhen-2: "Probably Damaging"; Align-GVGD: "Class C0"). In summary, the available evidence is currently insufficient to determine the role of this variant in disease. Therefore, it has been classified as a Variant of Uncertain Significance.

Ningxia Clinical Research Institute, People's Hospital of Ningxia Hui Autonomous Region
Classification: Likely pathogenic for Brittle cornea syndrome 1. Review status: criteria provided, single submitter. Criteria: ACMG Guidelines, 2015. Collection method: clinical testing. Allele origin: inherited. Inheritance: Autosomal recessive inheritance. Affected: yes. Observed: 1 compound heterozygote.
Comment: ACMG guidelines: 1. Whole-exome and Sanger sequencing identified compound heterozygous missense variants in ZNF469: c.266A>G (p.Lys89Arg) and c.2617C>A (p.Pro873Thr). 2. c.2617C>A (p.Pro873Thr) has been reported in patients with progressive keratoconus (PS1_Strong). 3. Cross-species conservation analysis shows that both amino acid positions 89 and 873 are highly conserved, suggesting the variants may affect ZNF469 protein structure and function (PP3_Supporting). 4. Multiple bioinformatic tools also predict damaging effects (PP3_Supporting). 5. The proband's clinical presentation is consistent with brittle cornea syndrome (PP4_Supporting). 7. A certified genetic testing laboratory has also classified the variants as pathogenic (PP5_Supporting). According to the ACMG guidelines,the compound heterozygous variants c.2617C>A (p.Pro873Thr) in ZNF469 was classified as likely pathogenic.

Literature cited by the submitters: PubMed 33816482 (cited by Women's Health and Genetics/Laboratory Corporation of America, LabCorp and Labcorp Genetics (formerly Invitae), Labcorp); PubMed 28622062 (cited by 3 submitters).